The following is an entry in ClinVar:

ClinVar aggregate classification (germline): Conflicting classifications of pathogenicity. Review status: criteria provided, conflicting classifications (1 of 4 stars). 13 submissions from 13 submitters: Uncertain significance (1); Benign (7); Likely benign (3). 2 of the submissions do not count toward it. Last evaluated 2026-09-01.

Conditions:
NLRP12-related disorder. Also called: NLRP12-related conditions; NLRP12-related condition.
Autoinflammatory syndrome. Identifiers: Orphanet 93665, MedGen C3890737, MONDO:0019751.
Familial cold autoinflammatory syndrome 2 (FCAS2). Identifiers: Orphanet 247868, MedGen C2673198, MONDO:0012724, OMIM 611762.

Allele frequency attached by ClinVar (database versions not stated): 1000 Genomes Project 0.00280; ESP Exome Variant Server 0.00338; TOPMed 0.00354.
gnomAD v4.1: 6,539 of 1,614,144 alleles (0.41%); highest among the groups gnomAD compares: Non-Finnish European, 0.46%; 28 homozygotes.

Submissions (13):

CeGaT Center for Human Genetics Tuebingen
Classification: Benign. Last evaluated: 2026-09-01. Review status: criteria provided, single submitter. Criteria: CeGaT Center For Human Genetics Tuebingen Variant Classification Criteria Version 2. Collection method: clinical testing. Allele origin: germline. Affected: yes. Observed: 22 variant alleles.
Comment: NLRP12: BP4, BP7, BS1, BS2

Labcorp Genetics (formerly Invitae), Labcorp
Classification: Benign for Familial cold autoinflammatory syndrome 2. Last evaluated: 2026-02-01. Review status: criteria provided, single submitter. Criteria: Invitae Variant Classification Sherloc (09022015). Collection method: clinical testing. Allele origin: germline.

Women's Health and Genetics/Laboratory Corporation of America, LabCorp
Classification: Benign. Last evaluated: 2026-01-23. Review status: criteria provided, single submitter. Criteria: LabCorp Variant Classification Summary - May 2015. Collection method: clinical testing. Allele origin: germline.

ARUP Laboratories, Molecular Genetics and Genomics, ARUP Laboratories
Classification: Benign for Familial cold autoinflammatory syndrome 2. Last evaluated: 2025-04-03. Review status: criteria provided, single submitter. Criteria: ARUP Molecular Germline Variant Investigation Process 2024. Collection method: clinical testing. Allele origin: germline.

Blueprint Genetics
Classification: Likely benign. Last evaluated: 2024-11-28. Review status: criteria provided, single submitter. Criteria: ACMG Guidelines, 2015. Collection method: clinical testing. Allele origin: germline.

Mayo Clinic Laboratories, Mayo Clinic
Classification: Benign. Last evaluated: 2024-01-02. Review status: criteria provided, single submitter. Criteria: ACMG Guidelines, 2015. Collection method: clinical testing. Allele origin: germline. Observed: 8 variant alleles.
Comment: BS2

Genome Diagnostics Laboratory, The Hospital for Sick Children
Classification: Benign for Autoinflammatory syndrome. Last evaluated: 2022-02-08. Review status: criteria provided, single submitter. Criteria: ACMG Guidelines, 2015. Collection method: clinical testing. Allele origin: germline. Affected: yes.

Center for Genomics, Ann and Robert H. Lurie Children's Hospital of Chicago
Classification: Uncertain significance for Familial cold autoinflammatory syndrome 2. Last evaluated: 2021-03-30. Review status: criteria provided, single submitter. Criteria: ACMG Guidelines, 2015. Collection method: clinical testing. Allele origin: germline.
Comment: NLRP12 c.2833C>A Heterozygous. Heterozygous missense mutations of this gene can cause Familial cold autoinflammatory syndrome 2. The identified heterozygous variant is predicted to be a synonymous substitution with no change in the amino acid sequence but may have an unknown effect on splicing. This variant has not been reported in the literature and has rarely been reported in publicly available databases of healthy individuals. Therefore, the clinical significance of this heterozygous variant is uncertain.

Clinical Genetics DNA and cytogenetics Diagnostics Lab, Erasmus MC, Erasmus Medical Center
Classification: Likely benign for Familial cold autoinflammatory syndrome 2. Last evaluated: 2017-06-28. Review status: criteria provided, single submitter. Criteria: ACGS Guidelines, 2013. Collection method: clinical testing. Allele origin: germline. Affected: yes. Study: VKGL Data-share Consensus.

Genome Diagnostics Laboratory, University Medical Center Utrecht
Classification: Benign for Familial cold autoinflammatory syndrome 2. Last evaluated: 2016-07-06. Review status: criteria provided, single submitter. Criteria: ACGS Guidelines, 2013. Collection method: clinical testing. Allele origin: germline. Affected: yes. Study: VKGL Data-share Consensus.

Breakthrough Genomics
Classification: Likely benign. Review status: criteria provided, single submitter. Criteria: ACMG Guidelines, 2015. Collection method: not provided. Allele origin: germline. Inheritance: Autosomal dominant inheritance. Affected: yes.

PreventionGenetics, part of Exact Sciences
Classification: Benign for NLRP12-related condition. Last evaluated: 2019-04-05. Review status: no assertion criteria provided. Collection method: clinical testing. Allele origin: germline. Not counted in ClinVar's aggregate classification.
Comment: This variant is classified as benign based on ACMG/AMP sequence variant interpretation guidelines (Richards et al. 2015 PMID: 25741868, with internal and published modifications).

Unité médicale des maladies autoinflammatoires, CHRU Montpellier
No classification provided. Review status: no classification provided. Collection method: not provided. Allele origin: unknown. Not counted in ClinVar's aggregate classification.

NM_144687.4(NLRP12):c.2830C>A (p.Arg944=)

Gene: NLRP12 (NLR family pyrin domain containing 12; minus strand). Cytogenetic location: 19q13.42.
Variant type: single nucleotide variant.
Coding change: c.2830C>A on transcript NM_144687.4 (MANE Select); coding-DNA position 2830, C replaced by A.
Protein change: p.Arg944=; no amino-acid change (arginine 944 retained).
Molecular consequence: synonymous variant. On other transcripts: intron variant (1).
Genome position (GRCh38, 1-based): chr19:53,798,340, G>T on the plus strand (C>A on the coding strand, the complement: NLRP12 is on the minus strand). VCF-style: chr19-53798340-G-T. GRCh37 (hg19) VCF-style: chr19-54301594-G-T.
Other names: p.Arg944=; c.2833C>A, p.Arg945= (NM_001277126.2); c.2757-2311C>A (NM_001277129.1).
Identifiers: ClinVar variation 97891 (VCV000097891.71), dbSNP rs104895570, ClinGen allele CA224940.